The following is an entry in ClinVar:

NM_004385.5(VCAN):c.2906C>T (p.Ser969Phe)

Gene: VCAN (versican; plus strand). Cytogenetic location: 5q14.3.
Variant type: single nucleotide variant.
Coding change: c.2906C>T on transcript NM_004385.5 (MANE Select); coding-DNA position 2906, C replaced by T.
Protein change: p.Ser969Phe; replaces serine 969 with phenylalanine.
Molecular consequence: missense variant. On other transcripts: intron variant (2).
Genome position (GRCh38, 1-based): chr5:83,521,212, C>T. VCF-style: chr5-83521212-C-T. GRCh37 (hg19) VCF-style: chr5-82817031-C-T.
Other names: c.2906C>T, p.Ser969Phe (NM_001164098.2); c.1042+8816C>T (NM_001164097.2, NM_001126336.3); short protein forms S969F.
Identifiers: ClinVar variation 4740834 (VCV004740834.1).

ClinVar aggregate classification (germline): Uncertain significance (1 of 4 stars; one submission).

gnomAD v4.1: 14 of 1,613,692 alleles (0.00087%); highest among the groups gnomAD compares: South Asian, 0.013%; no homozygotes.

Submission:

Labcorp Genetics (formerly Invitae), Labcorp
Classification: Uncertain significance. Last evaluated: 2025-08-12. Review status: criteria provided, single submitter. Criteria: Invitae Variant Classification Sherloc (09022015). Collection method: clinical testing. Allele origin: germline.
Comment: This sequence change replaces serine, which is neutral and polar, with phenylalanine, which is neutral and non-polar, at codon 969 of the VCAN protein (p.Ser969Phe). This variant is present in population databases (rs751271725, gnomAD 0.01%). This variant has not been reported in the literature in individuals affected with VCAN-related conditions. An algorithm developed to predict the effect of missense changes on protein structure and function (PolyPhen-2) suggests that this variant is likely to be tolerated. In summary, the available evidence is currently insufficient to determine the role of this variant in disease. Therefore, it has been classified as a Variant of Uncertain Significance.